The following is an entry in ClinVar:

ClinVar aggregate classification (germline): Uncertain significance (1 of 4 stars; one submission).

Submission:

Labcorp Genetics (formerly Invitae), Labcorp
Classification: Uncertain significance. Last evaluated: 2026-01-11. Review status: criteria provided, single submitter. Criteria: Invitae Variant Classification Sherloc (09022015). Collection method: clinical testing. Allele origin: germline.
Comment: This sequence change replaces valine, which is neutral and non-polar, with methionine, which is neutral and non-polar, at codon 84 of the GRIN2D protein (p.Val84Met). This variant is not present in population databases (gnomAD no frequency). This variant has not been reported in the literature in individuals affected with GRIN2D-related conditions. Invitae Evidence Modeling of protein sequence and biophysical properties (such as structural, functional, and spatial information, amino acid conservation, physicochemical variation, residue mobility, and thermodynamic stability) indicates that this missense variant is not expected to disrupt GRIN2D protein function with a negative predictive value of 80%. In summary, the available evidence is currently insufficient to determine the role of this variant in disease. Therefore, it has been classified as a Variant of Uncertain Significance.

NM_000836.4(GRIN2D):c.250G>A (p.Val84Met)

Gene: GRIN2D (glutamate ionotropic receptor NMDA type subunit 2D; plus strand). Cytogenetic location: 19q13.33.
Variant type: single nucleotide variant.
Coding change: c.250G>A on transcript NM_000836.4 (MANE Select); coding-DNA position 250, G replaced by A.
Protein change: p.Val84Met; replaces valine 84 with methionine.
Molecular consequence: missense variant.
Genome position (GRCh38, 1-based): chr19:48,398,642, G>A. VCF-style: chr19-48398642-G-A. GRCh37 (hg19) VCF-style: chr19-48901899-G-A.
Other names: short protein forms V84M.
Identifiers: ClinVar variation 4779434 (VCV004779434.1).